The following is an entry in ClinVar:

NM_005228.5(EGFR):c.1881-641C>T

Gene: EGFR (epidermal growth factor receptor; plus strand). Cytogenetic location: 7p11.2.
Variant type: single nucleotide variant.
Coding change: c.1881-641C>T on transcript NM_005228.5 (MANE Select); 641 bases into the intron before coding-DNA position 1881, C replaced by T.
Molecular consequence: intron variant. On other transcripts: missense variant (1).
Genome position (GRCh38, 1-based): chr7:55,170,534, C>T. VCF-style: chr7-55170534-C-T. GRCh37 (hg19) VCF-style: chr7-55238227-C-T.
Other names: c.2108C>T, p.Ser703Phe (NM_201284.2); c.1746-641C>T (NM_001346899.2, NM_001346897.2); c.1080-641C>T (NM_001346941.2); c.1881-641C>T (NM_001346898.2); c.1722-641C>T (NM_001346900.2); short protein forms S703F.
Identifiers: ClinVar variation 134034 (VCV000134034.3), dbSNP rs10258568, ClinGen allele CA158479.
Genomic context (GRCh38, chr7:55,170,534, plus strand): 5'-GGGGTGGATGCAGCCACCTCCATGCCTGGCCTTCTGCATCTGTGATCATCACGGCCTCCT[C>T]CTGCCACTGAGCCTCATGCCTTCACGTGTCTGTTCCCCCCGCTTTTCCTTTCTGCCACCC-3'

ClinVar aggregate classification (germline): Benign. Review status: criteria provided, multiple submitters, no conflicts (2 of 4 stars). 3 submissions from 3 submitters: Benign (2). 1 of the submissions does not count toward it. Last evaluated 2019-06-15.

Allele frequency attached by ClinVar (database versions not stated): gnomAD exomes 0.00336 and 0.00885; ExAC 0.01076; gnomAD 0.03457; 1000 Genomes Project 0.03714; 1000 Genomes Project 30x 0.03795; ESP Exome Variant Server 0.03983; TOPMed 0.04030.
gnomAD v4.1: 10,454 of 1,613,382 alleles (0.65%); highest among the groups gnomAD compares: African/African-American, 12%; 597 homozygotes.

Submissions (3):

GeneDx
Classification: Benign. Last evaluated: 2019-06-15. Review status: criteria provided, single submitter. Criteria: GeneDx Variant Classification (06012015). Collection method: clinical testing. Allele origin: germline. Affected: yes.

Breakthrough Genomics
Classification: Benign. Review status: criteria provided, single submitter. Criteria: ACMG Guidelines, 2015. Collection method: not provided. Allele origin: germline. Inheritance: Autosomal recessive inheritance. Affected: yes.

ITMI
No classification provided. Condition: AllHighlyPenetrant. Last evaluated: 2013-09-19. Review status: no classification provided. Collection method: reference population. Allele origin: germline. Not counted in ClinVar's aggregate classification.
Comment: Please see associated publication for description of ethnicities

Literature cited by the submitters: PubMed 24728327 (cited by ITMI).